The following is an entry in ClinVar:

NM_024407.5(NDUFS7):c.5C>T (p.Ala2Val)

Gene: NDUFS7 (NADH:ubiquinone oxidoreductase core subunit S7; plus strand). Cytogenetic location: 19p13.3.
Variant type: single nucleotide variant.
Coding change: c.5C>T on transcript NM_024407.5 (MANE Select); coding-DNA position 5, C replaced by T.
Protein change: p.Ala2Val; replaces alanine 2 with valine.
Molecular consequence: missense variant.
Genome position (GRCh38, 1-based): chr19:1,383,931, C>T. VCF-style: chr19-1383931-C-T. GRCh37 (hg19) VCF-style: chr19-1383930-C-T.
Other names: c.5C>T, p.Ala2Val (NM_001363602.2); short protein forms A2V.
Identifiers: ClinVar variation 891489 (VCV000891489.8), dbSNP rs775410920, ClinGen allele CA9042983.

ClinVar aggregate classification (germline): Uncertain significance. Review status: criteria provided, multiple submitters, no conflicts (2 of 4 stars). 5 submissions from 4 submitters: Uncertain significance (5). Last evaluated 2026-04-23.

Conditions:
Inborn genetic diseases. Identifiers: MedGen C0950123, MeSH D030342.
Leigh syndrome (NULS). Also called: Leigh's syndrome; Leigh's necrotizing encephalopathy; Leigh's disease; Leigh Syndrome (mtDNA deletion); Leigh Disease; Subacute necrotizing encephalopathy. Identifiers: Orphanet 506, MedGen C2931891, MONDO:0009723, OMIM 256000.
Mitochondrial complex I deficiency, nuclear type 1. Also called: NADH-COENZYME Q REDUCTASE DEFICIENCY; MITOCHONDRIAL NADH DEHYDROGENASE COMPONENT OF COMPLEX I, DEFICIENCY OF. Identifiers: MedGen C6022305, MONDO:0100224, OMIM 252010.

Allele frequency attached by ClinVar (database versions not stated): ExAC 0.00038; TOPMed 0.00002; gnomAD exomes 0.00009; gnomAD 0.00003.
gnomAD v4.1: 76 of 1,580,248 alleles (0.0048%); highest among the groups gnomAD compares: Non-Finnish European, 0.0057%; no homozygotes.

Submissions (5):

GeneDx
Classification: Uncertain significance. Last evaluated: 2026-04-23. Review status: criteria provided, single submitter. Criteria: GeneDx Variant Classification Process June 2021. Collection method: clinical testing. Allele origin: germline.
Comment: In silico analysis suggests that this missense variant does not alter protein structure/function; Has not been previously published as pathogenic or benign to our knowledge

Labcorp Genetics (formerly Invitae), Labcorp
Classification: Uncertain significance. Last evaluated: 2025-07-14. Review status: criteria provided, single submitter. Criteria: Invitae Variant Classification Sherloc (09022015). Collection method: clinical testing. Allele origin: germline.
Comment: This sequence change replaces alanine, which is neutral and non-polar, with valine, which is neutral and non-polar, at codon 2 of the NDUFS7 protein (p.Ala2Val). The frequency data for this variant in the population databases is considered unreliable, as metrics indicate poor data quality at this position in the gnomAD database. This variant has not been reported in the literature in individuals affected with NDUFS7-related conditions. ClinVar contains an entry for this variant (Variation ID: 891489). An algorithm developed to predict the effect of missense changes on protein structure and function outputs the following: PolyPhen-2: "Benign". The valine amino acid residue is found in multiple mammalian species, which suggests that this missense change does not adversely affect protein function. In summary, the available evidence is currently insufficient to determine the role of this variant in disease. Therefore, it has been classified as a Variant of Uncertain Significance.

Ambry Genetics
Classification: Uncertain significance for Inborn genetic diseases. Last evaluated: 2020-12-29. Review status: criteria provided, single submitter. Criteria: Ambry Variant Classification Scheme 2023. Collection method: clinical testing. Allele origin: germline.
Comment: The c.5C>T (p.A2V) alteration is located in exon 1 (coding exon 1) of the NDUFS7 gene. This alteration results from a C to T substitution at nucleotide position 5, causing the alanine (A) at amino acid position 2 to be replaced by a valine (V). The p.A2V alteration is predicted to be tolerated by in silico analysis. Based on insufficient or conflicting evidence, the clinical significance of this alteration remains unclear.

Illumina Laboratory Services, Illumina
Classification: Uncertain significance for Mitochondrial complex I deficiency, nuclear type 1. Last evaluated: 2018-01-13. Review status: criteria provided, single submitter. Criteria: ICSL Variant Classification Criteria 13 December 2019. Collection method: clinical testing. Allele origin: germline.

Illumina Laboratory Services, Illumina
Classification: Uncertain significance for Leigh syndrome. Last evaluated: 2018-01-13. Review status: criteria provided, single submitter. Criteria: ICSL Variant Classification Criteria 13 December 2019. Collection method: clinical testing. Allele origin: germline.